The following is an entry in ClinVar:

NM_001029883.3(PCARE):c.2980G>T (p.Ala994Ser)

Gene: PCARE (photoreceptor cilium actin regulator; minus strand). Cytogenetic location: 2p23.2.
Variant type: single nucleotide variant.
Coding change: c.2980G>T on transcript NM_001029883.3 (MANE Select); coding-DNA position 2980, G replaced by T.
Protein change: p.Ala994Ser; replaces alanine 994 with serine.
Molecular consequence: missense variant.
Genome position (GRCh38, 1-based): chr2:29,071,282, C>A on the plus strand (G>T on the coding strand, the complement: PCARE is on the minus strand). VCF-style: chr2-29071282-C-A. GRCh37 (hg19) VCF-style: chr2-29294148-C-A.
Other names: short protein forms A994S.
Identifiers: ClinVar variation 1396528 (VCV001396528.3), dbSNP rs552032283, ClinGen allele CA1592062.

ClinVar aggregate classification (germline): Uncertain significance (1 of 4 stars; one submission).

Allele frequency attached by ClinVar (database versions not stated): ExAC 0.00003; gnomAD exomes 0.00002; 1000 Genomes Project 30x 0.00031; 1000 Genomes Project 0.00040; gnomAD 0.00006.

Submission:

Labcorp Genetics (formerly Invitae), Labcorp
Classification: Uncertain significance. Last evaluated: 2021-10-11. Review status: criteria provided, single submitter. Criteria: Invitae Variant Classification Sherloc (09022015). Collection method: clinical testing. Allele origin: germline.
Comment: This sequence change replaces alanine with serine at codon 994 of the PCARE protein (p.Ala994Ser). The alanine residue is highly conserved and there is a moderate physicochemical difference between alanine and serine. This variant is present in population databases (rs552032283, ExAC 0.02%). This variant has not been reported in the literature in individuals affected with PCARE-related conditions. Algorithms developed to predict the effect of missense changes on protein structure and function (SIFT, PolyPhen-2, Align-GVGD) all suggest that this variant is likely to be tolerated. In summary, the available evidence is currently insufficient to determine the role of this variant in disease. Therefore, it has been classified as a Variant of Uncertain Significance.